The following is an entry in ClinVar:

NM_021098.3(CACNA1H):c.4760-1G>T

Gene: CACNA1H (calcium voltage-gated channel subunit alpha1 H; plus strand). Cytogenetic location: 16p13.3.
Variant type: single nucleotide variant.
Coding change: c.4760-1G>T on transcript NM_021098.3 (MANE Select); the canonical splice acceptor site of the intron before coding-DNA position 4760, G replaced by T.
Molecular consequence: splice acceptor variant. On other transcripts: intron variant (1).
Genome position (GRCh38, 1-based): chr16:1,212,510, G>T. VCF-style: chr16-1212510-G-T. GRCh37 (hg19) VCF-style: chr16-1262510-G-T.
Other names: c.4759+372G>T (NM_001005407.2).
Identifiers: ClinVar variation 1492199 (VCV001492199.6), dbSNP rs1173893014, ClinGen allele CA394181408.

ClinVar aggregate classification (germline): Uncertain significance (1 of 4 stars; one submission).

Conditions:
Idiopathic generalized epilepsy. Also called: Generalised epilepsy; EIG. Identifiers: MedGen C0270850, MONDO:0005579, OMIM 600669.
Hyperaldosteronism, familial, type IV (HALD4). Also called: FH IV; ALDOSTERONISM, PRIMARY, AND HYPERTENSION. Identifiers: Orphanet 642671, MedGen C4310756, MONDO:0014875, OMIM 617027.

Submission:

Labcorp Genetics (formerly Invitae), Labcorp
Classification: Uncertain significance for Idiopathic generalized epilepsy; Hyperaldosteronism, familial, type IV. Last evaluated: 2023-11-20. Review status: criteria provided, single submitter. Criteria: Invitae Variant Classification Sherloc (09022015). Collection method: clinical testing. Allele origin: germline.
Comment: This sequence change affects an acceptor splice site in intron 25 of the CACNA1H gene. It is expected to disrupt RNA splicing. Variants that disrupt the donor or acceptor splice site typically lead to a loss of protein function (PMID: 16199547), however the current clinical and genetic evidence is not sufficient to establish whether loss-of-function variants in CACNA1H cause disease. This variant is not present in population databases (gnomAD no frequency). This variant has not been reported in the literature in individuals affected with CACNA1H-related conditions. ClinVar contains an entry for this variant (Variation ID: 1492199). Algorithms developed to predict the effect of sequence changes on RNA splicing suggest that this variant may disrupt the consensus splice site. In summary, the available evidence is currently insufficient to determine the role of this variant in disease. Therefore, it has been classified as a Variant of Uncertain Significance.

Literature cited by the submitters: PubMed 16199547.